The following is an entry in ClinVar:

NM_001204.7(BMPR2):c.803C>G (p.Thr268Ser)

Gene: BMPR2 (bone morphogenetic protein receptor type 2; plus strand). Cytogenetic location: 2q33.2.
Variant type: single nucleotide variant.
Coding change: c.803C>G on transcript NM_001204.7 (MANE Select); coding-DNA position 803, C replaced by G.
Protein change: p.Thr268Ser; replaces threonine 268 with serine.
Molecular consequence: missense variant.
Genome position (GRCh38, 1-based): chr2:202,519,003, C>G. VCF-style: chr2-202519003-C-G. GRCh37 (hg19) VCF-style: chr2-203383726-C-G.
Other names: short protein forms T268S.
Identifiers: ClinVar variation 3221320 (VCV003221320.2), dbSNP rs530455380, ClinGen allele CA2061209.

ClinVar aggregate classification (germline): Uncertain significance. Review status: criteria provided, multiple submitters, no conflicts (2 of 4 stars). 2 submissions from 2 submitters: Uncertain significance (2). Last evaluated 2024-02-22.

Conditions:
Pulmonary hypertension, primary, 1 (PPH1). Also called: Pulmonary hypertension, familial primary, 1, with or without HHT. Identifiers: Orphanet 422, MedGen C4552070, MONDO:0024533, OMIM 178600.
Pulmonary venoocclusive disease 1 (PVOD1). Also called: Pulmonary venoocclusive disease 1, autosomal dominant. Identifiers: Orphanet 31837, MedGen C3887658, MONDO:0020713, OMIM 265450.
Inborn genetic diseases. Identifiers: MedGen C0950123, MeSH D030342.

Allele frequency attached by ClinVar (database versions not stated): TOPMed below 0.00001; ExAC 0.00002; gnomAD 0.00002; gnomAD exomes 0.00002; 1000 Genomes Project 0.00040; 1000 Genomes Project 30x 0.00062.
gnomAD v4.1: 13 of 1,614,148 alleles (0.00081%); highest among the groups gnomAD compares: Admixed American, 0.022%; no homozygotes.

Submissions (2):

Ambry Genetics
Classification: Uncertain significance for Inborn genetic diseases. Last evaluated: 2024-02-22. Review status: criteria provided, single submitter. Criteria: Ambry Variant Classification Scheme 2023. Collection method: clinical testing. Allele origin: germline.
Comment: The p.T268S variant (also known as c.803C>G), located in coding exon 6 of the BMPR2 gene, results from a C to G substitution at nucleotide position 803. The threonine at codon 268 is replaced by serine, an amino acid with similar properties. This amino acid position is conserved. In addition, the in silico prediction for this alteration is inconclusive. Based on the available evidence, the clinical significance of this alteration remains unclear.

Fulgent Genetics
Classification: Uncertain significance for Pulmonary hypertension, primary, 1; Pulmonary venoocclusive disease 1. Last evaluated: 2024-01-29. Review status: criteria provided, single submitter. Criteria: ACMG Guidelines, 2015. Collection method: clinical testing. Allele origin: germline.